The following is an entry in ClinVar:

ClinVar aggregate classification (germline): Pathogenic. Review status: criteria provided, multiple submitters, no conflicts (2 of 4 stars). 4 submissions from 4 submitters: Pathogenic (4). Last evaluated 2024-03-13.

Conditions:
Hypertrophic cardiomyopathy. Also called: HYPERTROPHIC MYOCARDIOPATHY. Identifiers: Orphanet 217569, MedGen C0007194, MeSH D002312, MONDO:0005045, HP:0001639.
MYBPC3-related disorder. Also called: MYBPC3-related condition; MYBPC3-related disease; MYBPC3-related disorders.
Cardiomyopathy (CMYO). Also called: Cardiomyopathies. Identifiers: Orphanet 167848, MedGen C0878544, MONDO:0004994, HP:0001638. Inheritance: Various modes of inheritance.

Allele frequency attached by ClinVar (database versions not stated): gnomAD exomes below 0.00001.

Submissions (4):

Labcorp Genetics (formerly Invitae), Labcorp
Classification: Pathogenic for Hypertrophic cardiomyopathy. Last evaluated: 2024-03-13. Review status: criteria provided, single submitter. Criteria: Invitae Variant Classification Sherloc (09022015). Collection method: clinical testing. Allele origin: germline.
Comment: This sequence change creates a premature translational stop signal (p.Lys54Asnfs*13) in the MYBPC3 gene. It is expected to result in an absent or disrupted protein product. Loss-of-function variants in MYBPC3 are known to be pathogenic (PMID: 19574547). This variant is not present in population databases (gnomAD no frequency). This premature translational stop signal has been observed in individual(s) with hypertrophic cardiomyopathy (PMID: 28615295, 28771489). ClinVar contains an entry for this variant (Variation ID: 219730). For these reasons, this variant has been classified as Pathogenic.

GeneDx
Classification: Pathogenic. Last evaluated: 2023-11-28. Review status: criteria provided, single submitter. Criteria: GeneDx Variant Classification Process June 2021. Collection method: clinical testing. Allele origin: germline. Affected: yes.
Comment: Identified in patients with HCM referred for genetic testing at GeneDx and in published literature (PMID: 28615295, 36252119, 28771489); Not observed at significant frequency in large population cohorts (gnomAD); Frameshift variant predicted to result in protein truncation or nonsense mediated decay in a gene for which loss of function is a known mechanism of disease; This variant is associated with the following publications: (PMID: 28615295, 36243179, 36252119, 28771489)

PreventionGenetics, part of Exact Sciences
Classification: Pathogenic for MYBPC3-related condition. Last evaluated: 2023-04-14. Review status: criteria provided, single submitter. Criteria: ACMG Guidelines, 2015. Collection method: clinical testing. Allele origin: germline.
Comment: The MYBPC3 c.162delG variant is predicted to result in a frameshift and premature protein termination (p.Lys54Asnfs*13). This variant was reported in individuals with hypertrophic cardiomyopathy (Table S2, Ross et al. 2017. PubMed ID: 28615295; Mademont-Soler et al. 2017. PubMed ID: 28771489). This variant has not been reported in a large population database, indicating this variant is rare. Frameshift variants in MYBPC3 are expected to be pathogenic. This variant is interpreted as pathogenic.

CHEO Genetics Diagnostic Laboratory, Children's Hospital of Eastern Ontario
Classification: Pathogenic for Cardiomyopathy. Last evaluated: 2020-05-21. Review status: criteria provided, single submitter. Criteria: ACMG Guidelines, 2015. Collection method: clinical testing. Allele origin: germline.

Literature cited by the submitters: PubMed 19574547 (cited by Labcorp Genetics (formerly Invitae), Labcorp); PubMed 28615295 (cited by Labcorp Genetics (formerly Invitae), Labcorp); PubMed 28771489 (cited by Labcorp Genetics (formerly Invitae), Labcorp).

NM_000256.3(MYBPC3):c.162del (p.Lys54fs)

Gene: MYBPC3 (myosin binding protein C3; minus strand). Cytogenetic location: 11p11.2.
Variant type: Deletion.
Coding change: c.162del on transcript NM_000256.3 (MANE Select); coding-DNA position 162, one base deleted (G; older notation c.162delG).
Protein change: p.Lys54fs; shifts the reading frame from lysine 54.
Molecular consequence: frameshift variant.
Genome position (GRCh38, 1-based): chr11:47,351,369, C deleted on the plus strand (G on the coding strand, the reverse complement: MYBPC3 is on the minus strand). VCF-style (leftmost placement, unchanged base first): chr11-47351368-AC-A. GRCh37 (hg19) VCF-style: chr11-47372919-AC-A.
Other names: c.162delG (NM_000256.3); c.162del, p.Lys54fs (LRG_386t1); short protein forms K54fs.
Identifiers: ClinVar variation 219730 (VCV000219730.12), dbSNP rs864622224, ClinGen allele CA348352.